The following is an entry in ClinVar:

ClinVar aggregate classification (germline): Uncertain significance (1 of 4 stars; one submission).

Conditions:
Muscular dystrophy-dystroglycanopathy type B6 (MDDGB6). Also called: MUSCULAR DYSTROPHY-DYSTROGLYCANOPATHY (CONGENITAL WITH IMPAIRED INTELLECTUAL DEVELOPMENT), TYPE B, 6; MUSCULAR DYSTROPHY, CONGENITAL, LARGE-RELATED; MUSCULAR DYSTROPHY, CONGENITAL, TYPE 1D. Identifiers: MedGen C1837229, MONDO:0012138, OMIM 608840.

Allele frequency attached by ClinVar (database versions not stated): gnomAD 0.00001 and 0.00005; TOPMed 0.00001; gnomAD exomes 0.00003 and 0.00009; ExAC 0.00010; 1000 Genomes Project 30x 0.00031; 1000 Genomes Project 0.00040.
gnomAD v4.1: 60 of 1,614,278 alleles (0.0037%); highest among the groups gnomAD compares: East Asian, 0.038%; no homozygotes.

Submission:

Labcorp Genetics (formerly Invitae), Labcorp
Classification: Uncertain significance for Muscular dystrophy-dystroglycanopathy type B6. Last evaluated: 2022-09-27. Review status: criteria provided, single submitter. Criteria: Invitae Variant Classification Sherloc (09022015). Collection method: clinical testing. Allele origin: germline.
Comment: This sequence change replaces methionine, which is neutral and non-polar, with threonine, which is neutral and polar, at codon 569 of the LARGE1 protein (p.Met569Thr). This variant is present in population databases (rs561951366, gnomAD 0.08%). This variant has not been reported in the literature in individuals affected with LARGE1-related conditions. ClinVar contains an entry for this variant (Variation ID: 646897). Advanced modeling of protein sequence and biophysical properties (such as structural, functional, and spatial information, amino acid conservation, physicochemical variation, residue mobility, and thermodynamic stability) performed at Invitae indicates that this missense variant is expected to disrupt LARGE1 protein function. In summary, the available evidence is currently insufficient to determine the role of this variant in disease. Therefore, it has been classified as a Variant of Uncertain Significance.

NM_133642.5(LARGE1):c.1706T>C (p.Met569Thr)

Gene: LARGE1 (LARGE xylosyl- and glucuronyltransferase 1; minus strand). Cytogenetic location: 22q12.3.
Variant type: single nucleotide variant.
Coding change: c.1706T>C on transcript NM_133642.5 (MANE Select); coding-DNA position 1706, T replaced by C.
Protein change: p.Met569Thr; replaces methionine 569 with threonine.
Molecular consequence: missense variant.
Genome position (GRCh38, 1-based): chr22:33,304,253, A>G on the plus strand (T>C on the coding strand, the complement: LARGE1 is on the minus strand). VCF-style: chr22-33304253-A-G. GRCh37 (hg19) VCF-style: chr22-33700239-A-G.
Other names: c.1706T>C, p.Met569Thr (NM_001362949.2, NM_001362951.2, NM_001362953.2 and 6 more transcripts); c.1550T>C, p.Met517Thr (NM_001378629.1); c.1103T>C, p.Met368Thr (NM_001378630.1); c.947T>C, p.Met316Thr (NM_001378631.1); short protein forms M569T, M316T, M368T, M517T.
Identifiers: ClinVar variation 646897 (VCV000646897.8), dbSNP rs561951366, ClinGen allele CA10202682.
Genomic context (GRCh38, chr22:33,304,253, plus strand): 5'-TTCTGGCCTGATGGCCAGGCCCCTGCAGGTCCTTACCTGAGGTACTCATAGAGCCCATAC[A>G]TGGGCAGGAAGTCAATGTCAGACAGGAACATGTAGGGAGTGCTGATGTGCTTCATGGCCA-3'
Protein context (NP_598397.1, residues 559-579): MFLSDIDFLP[Met569Thr]YGLYEYLRKS